The following is an entry in ClinVar:

ClinVar aggregate classification (germline): Uncertain significance. Review status: criteria provided, multiple submitters, no conflicts (2 of 4 stars). 2 submissions from 2 submitters: Uncertain significance (2). Last evaluated 2023-01-19.

Conditions:
Cardiovascular phenotype. Identifiers: MedGen CN230736.
Long QT syndrome (LQTS). Identifiers: MedGen C0023976, MeSH D008133, MONDO:0002442. Disease mechanism: loss of function. Inheritance: Various modes of inheritance.

Submissions (2):

Ambry Genetics
Classification: Uncertain significance for Cardiovascular phenotype. Last evaluated: 2023-01-19. Review status: criteria provided, single submitter. Criteria: Ambry Variant Classification Scheme 2023. Collection method: clinical testing. Allele origin: germline.
Comment: The p.Q1885E variant (also known as c.5653C>G), located in coding exon 23 of the AKAP9 gene, results from a C to G substitution at nucleotide position 5653. The glutamine at codon 1885 is replaced by glutamic acid, an amino acid with highly similar properties. This amino acid position is conserved. In addition, this alteration is predicted to be tolerated by in silico analysis. Since supporting evidence is limited at this time, the clinical significance of this alteration remains unclear.

Labcorp Genetics (formerly Invitae), Labcorp
Classification: Uncertain significance for Long QT syndrome. Last evaluated: 2021-10-15. Review status: criteria provided, single submitter. Criteria: Invitae Variant Classification Sherloc (09022015). Collection method: clinical testing. Allele origin: germline.
Comment: In summary, the available evidence is currently insufficient to determine the role of this variant in disease. Therefore, it has been classified as a Variant of Uncertain Significance. This sequence change replaces glutamine with glutamic acid at codon 1885 of the AKAP9 protein (p.Gln1885Glu). The glutamine residue is moderately conserved and there is a small physicochemical difference between glutamine and glutamic acid. This variant is not present in population databases (ExAC no frequency). This variant has not been reported in the literature in individuals affected with AKAP9-related conditions. Algorithms developed to predict the effect of missense changes on protein structure and function (SIFT, PolyPhen-2, Align-GVGD) all suggest that this variant is likely to be tolerated.

NM_005751.5(AKAP9):c.5653C>G (p.Gln1885Glu)

Gene: AKAP9 (A-kinase anchoring protein 9; plus strand). Cytogenetic location: 7q21.2.
Variant type: single nucleotide variant.
Coding change: c.5653C>G on transcript NM_005751.5 (MANE Select); coding-DNA position 5653, C replaced by G.
Protein change: p.Gln1885Glu; replaces glutamine 1885 with glutamic acid.
Molecular consequence: missense variant.
Genome position (GRCh38, 1-based): chr7:92,061,311, C>G. VCF-style: chr7-92061311-C-G. GRCh37 (hg19) VCF-style: chr7-91690625-C-G.
Other names: c.5653C>G (NM_005751.4); c.298C>G, p.Gln100Glu (NM_001379277.1); c.5653C>G, p.Gln1885Glu (NM_147185.3); short protein forms Q100E, Q1885E.
Identifiers: ClinVar variation 1490003 (VCV001490003.7), dbSNP rs1809744474, ClinGen allele CA368131552.